The following is an entry in ClinVar:

ClinVar aggregate classification (germline): Likely pathogenic. Review status: criteria provided, multiple submitters, no conflicts (2 of 4 stars). 5 submissions from 5 submitters: Likely pathogenic (4). 1 of the submissions does not count toward it. Last evaluated 2025-04-23.

Conditions:
Familial cancer of breast. Also called: BREAST CANCER, FAMILIAL; hereditary breast carcinoma; Hereditary breast cancer. Identifiers: Orphanet 227535, MedGen C0346153, MONDO:0016419, OMIM 114480. Disease mechanism: loss of function.
Hereditary cancer-predisposing syndrome. Also called: Neoplastic Syndromes, Hereditary; Hereditary Cancer Syndrome; Hereditary neoplastic syndrome; Tumor predisposition. Identifiers: Orphanet 140162, MedGen C0027672, MeSH D009386, MONDO:0015356.
Breast and/or ovarian cancer. Identifiers: MedGen CN221562.

Allele frequency attached by ClinVar (database versions not stated): TOPMed below 0.00001.

Submissions (5):

Ambry Genetics
Classification: Likely pathogenic for Hereditary cancer-predisposing syndrome. Last evaluated: 2025-04-23. Review status: criteria provided, single submitter. Criteria: Ambry Variant Classification Scheme 2023. Collection method: clinical testing. Allele origin: germline.
Comment: The c.1810+2T>G intronic variant results from a T to G substitution two nucleotides after coding exon 8 in the BARD1 gene. This variant is considered to be rare based on population cohorts in the Genome Aggregation Database (gnomAD). This nucleotide position is highly conserved in available vertebrate species. In silico splice site analysis predicts that this alteration will weaken the native splice donor site; however, direct evidence is insufficient at this time (Ambry internal data). Alterations that disrupt the canonical splice site are expected to cause aberrant splicing, resulting in an abnormal protein or a transcript that is subject to nonsense-mediated mRNA decay. As such, this alteration is classified as likely pathogenic.

Myriad Genetics, Inc.
Classification: Likely pathogenic for Familial cancer of breast. Last evaluated: 2023-05-24. Review status: criteria provided, single submitter. Criteria: Myriad Autosomal Dominant, Autosomal Recessive and X-Linked Classification Criteria (2023). Collection method: clinical testing. Allele origin: unknown.
Comment: This variant is considered likely pathogenic. This variant occurs within a consensus splice junction and is predicted to result in abnormal mRNA splicing of either an out-of-frame exon or an in-frame exon necessary for protein stability and/or normal function.

Color Diagnostics, LLC DBA Color Health
Classification: Likely pathogenic for Hereditary cancer-predisposing syndrome. Last evaluated: 2020-02-26. Review status: criteria provided, single submitter. Criteria: ACMG Guidelines, 2015. Collection method: clinical testing. Allele origin: germline.
Comment: This variant causes a T to G nucleotide substitution at the +2 position of intron 8 of the BARD1 gene. Splice site prediction tools predict that this variant may have a significant impact on RNA splicing. Although this prediction has not been confirmed in published RNA studies, this variant is expected to result in an absent or disrupted protein product. To our knowledge, functional studies have not been reported for this variant. This variant has not been reported in individuals affected with hereditary cancer in the literature. This variant has not been identified in the general population by the Genome Aggregation Database (gnomAD). Loss of BARD1 function is a known mechanism of disease. Based on the available evidence, this variant is classified as Likely Pathogenic.

Labcorp Genetics (formerly Invitae), Labcorp
Classification: Likely pathogenic for Familial cancer of breast. Last evaluated: 2018-11-06. Review status: criteria provided, single submitter. Criteria: Invitae Variant Classification Sherloc (09022015). Collection method: clinical testing. Allele origin: germline.
Comment: In summary, the currently available evidence indicates that the variant is pathogenic, but additional data are needed to prove that conclusively. Therefore, this variant has been classified as Likely Pathogenic. Donor and acceptor splice site variants typically lead to a loss of protein function (PMID: 16199547), and loss-of-function variants in BARD1 are known to be pathogenic (PMID: 20077502, 21344236). Algorithms developed to predict the effect of sequence changes on RNA splicing suggest that this variant may disrupt the consensus splice site, but this prediction has not been confirmed by published transcriptional studies. This variant has not been reported in the literature in individuals with BARD1-related disease. This variant is not present in population databases (ExAC no frequency). This sequence change affects a donor splice site in intron 8 of the BARD1 gene. It is expected to disrupt RNA splicing and likely results in an absent or disrupted protein product.

CZECANCA consortium
Classification: Likely pathogenic for Breast and/or ovarian cancer. Last evaluated: 2019-06-11. Review status: no assertion criteria provided. Collection method: clinical testing. Allele origin: germline. Affected: yes. Observed: 1 variant allele. Not counted in ClinVar's aggregate classification.

Literature cited by the submitters: PubMed 16199547 (cited by Labcorp Genetics (formerly Invitae), Labcorp); PubMed 20077502 (cited by Labcorp Genetics (formerly Invitae), Labcorp); PubMed 21344236 (cited by Labcorp Genetics (formerly Invitae), Labcorp); PubMed 32295079 (cited by CZECANCA consortium).

NM_000465.4(BARD1):c.1810+2T>G

Gene: BARD1 (BRCA1 associated RING domain 1; minus strand). Cytogenetic location: 2q35.
Variant type: single nucleotide variant.
Coding change: c.1810+2T>G on transcript NM_000465.4 (MANE Select); the canonical splice donor site of the intron after coding-DNA position 1810, T replaced by G.
Molecular consequence: splice donor variant. On other transcripts: intron variant (1).
Genome position (GRCh38, 1-based): chr2:214,745,720, A>C on the plus strand (T>G on the coding strand, the complement: BARD1 is on the minus strand). VCF-style: chr2-214745720-A-C. GRCh37 (hg19) VCF-style: chr2-215610444-A-C.
Other names: c.400+2T>G (NM_001282548.2); c.1753+2T>G (NM_001282543.2); c.457+2T>G (NM_001282545.2); c.365-15212T>G (NM_001282549.2).
Identifiers: ClinVar variation 479191 (VCV000479191.21), dbSNP rs1234033325, ClinGen allele CA350452471.